The following is an entry in ClinVar:

NM_000059.4(BRCA2):c.4071A>C (p.Leu1357=)

Gene: BRCA2 (BRCA2 DNA repair associated; plus strand). Cytogenetic location: 13q13.1.
Variant type: single nucleotide variant.
Coding change: c.4071A>C on transcript NM_000059.4 (MANE Select); coding-DNA position 4071, A replaced by C.
Protein change: p.Leu1357=; no amino-acid change (leucine 1357 retained).
Molecular consequence: synonymous variant.
Genome position (GRCh38, 1-based): chr13:32,338,426, A>C. VCF-style: chr13-32338426-A-C. GRCh37 (hg19) VCF-style: chr13-32912563-A-C.
Other names: p.L1357L:CTA>CTC; p.Leu1357=.
Identifiers: ClinVar variation 136560 (VCV000136560.33), dbSNP rs140556653, ClinGen allele CA019469.

ClinVar aggregate classification (germline): Benign. Review status: reviewed by expert panel (3 of 4 stars). 15 submissions from 15 submitters: Benign (1). 14 of the submissions do not count toward it. Last evaluated 2017-06-29.

Conditions:
Hereditary cancer-predisposing syndrome. Also called: Tumor predisposition; Hereditary neoplastic syndrome; Neoplastic Syndromes, Hereditary; Hereditary Cancer Syndrome. Identifiers: Orphanet 140162, MedGen C0027672, MeSH D009386, MONDO:0015356.
Hereditary breast ovarian cancer syndrome. Also called: Hereditary breast and/or ovarian cancer syndrome; Hereditary breast and ovarian cancer syndrome; Hereditary breast and ovarian cancer syndrome (HBOC); Hereditary breast and ovarian cancer; Breast and ovarian cancer; BRCA1- and BRCA2-Associated Hereditary Breast and Ovarian Cancer. Identifiers: Orphanet 145, MedGen C0677776, MeSH D061325, MONDO:0003582. Disease mechanism: loss of function.
Breast-ovarian cancer, familial, susceptibility to, 2 (BROVCA2). Also called: BRCA2 Hereditary Breast and Ovarian Cancer. Identifiers: Orphanet 145, MedGen C2675520, MONDO:0012933, OMIM 612555. Disease mechanism: loss of function.
Familial cancer of breast. Also called: Hereditary breast cancer; BREAST CANCER, FAMILIAL; hereditary breast carcinoma. Identifiers: Orphanet 227535, MedGen C0346153, MONDO:0016419, OMIM 114480. Disease mechanism: loss of function.
Malignant tumor of breast. Also called: Malignant breast neoplasm; Cancer breast. Identifiers: MedGen C0006142, MONDO:0007254. Disease mechanism: loss of function.

Allele frequency attached by ClinVar (database versions not stated): gnomAD exomes 0.00012; ExAC 0.00015; gnomAD 0.00059; 1000 Genomes Project 0.00060; TOPMed 0.00061; ESP Exome Variant Server 0.00077; 1000 Genomes Project 30x 0.00094.
gnomAD v4.1: 137 of 1,609,410 alleles (0.0085%); highest among the groups gnomAD compares: African/African-American, 0.17%; no homozygotes.

Submissions (15):

Evidence-based Network for the Interpretation of Germline Mutant Alleles (ENIGMA)
Classification: Benign for Breast-ovarian cancer, familial, susceptibility to, 2. Last evaluated: 2017-06-29. Review status: reviewed by expert panel. Criteria: ENIGMA BRCA1/2 Classification Criteria (2017-06-29). Collection method: curation. Allele origin: germline.
Comment: Synonymous substitution variant, with low bioinformatic likelihood to alter mRNA splicing (splicing prior 0.02) and frequency 0.0017 (African), derived from ExAC (2014-12-17).

Labcorp Genetics (formerly Invitae), Labcorp
Classification: Benign for Hereditary breast ovarian cancer syndrome. Last evaluated: 2026-02-04. Review status: criteria provided, single submitter. Criteria: Invitae Variant Classification Sherloc (09022015). Collection method: clinical testing. Allele origin: germline. Not counted in ClinVar's aggregate classification.

Mayo Clinic Laboratories, Mayo Clinic
Classification: Benign. Last evaluated: 2025-03-19. Review status: criteria provided, single submitter. Criteria: ACMG Guidelines, 2015. Collection method: clinical testing. Allele origin: germline. Observed: 2 variant alleles. Not counted in ClinVar's aggregate classification.
Comment: BA1, BP1_strong

Blueprint Genetics
Classification: Likely benign. Last evaluated: 2024-02-19. Review status: criteria provided, single submitter. Criteria: ACMG Guidelines, 2015. Collection method: clinical testing. Allele origin: germline. Not counted in ClinVar's aggregate classification.

Institute for Biomarker Research, Medical Diagnostic Laboratories, L.L.C.
Classification: Benign for Hereditary breast ovarian cancer syndrome. Last evaluated: 2023-04-11. Review status: criteria provided, single submitter. Criteria: ACMG Guidelines, 2015. Collection method: clinical testing. Allele origin: germline. Not counted in ClinVar's aggregate classification.

Genetic Services Laboratory, University of Chicago
Classification: Likely benign. Last evaluated: 2021-07-23. Review status: criteria provided, single submitter. Criteria: ACMG Guidelines, 2015. Collection method: clinical testing. Allele origin: germline. Affected: no. Not counted in ClinVar's aggregate classification.

Sema4
Classification: Likely benign for Hereditary cancer-predisposing syndrome. Last evaluated: 2020-12-18. Review status: criteria provided, single submitter. Criteria: Sema4 Curation Guidelines. Collection method: curation. Allele origin: germline. Not counted in ClinVar's aggregate classification.

Baylor Genetics
Classification: Benign for Familial cancer of breast. Last evaluated: 2017-02-23. Review status: criteria provided, single submitter. Criteria: ACMG Guidelines, 2015. Collection method: clinical testing. Allele origin: germline. Inheritance: Autosomal dominant inheritance. Affected: no. Not counted in ClinVar's aggregate classification.

Women's Health and Genetics/Laboratory Corporation of America, LabCorp
Classification: Benign. Last evaluated: 2016-08-23. Review status: criteria provided, single submitter. Criteria: LabCorp Variant Classification Summary - May 2015. Collection method: clinical testing. Allele origin: germline. Not counted in ClinVar's aggregate classification.
Comment: Variant summary: The BRCA2 c.4071A>C (p.Leu1357Leu) variant involves the alteration of a non-conserved nucleotide, resulting in a synonymous change. Mutation Taster predicts a benign outcome for this variant. 5/5 splice prediction tools predict no significant impact on normal splicing. This variant was found in 18/120766 control chromosomes, predominantly observed in the African subpopulation at a frequency of 0.0017599 (18/10228). This frequency is about 2.35 times the estimated maximal expected allele frequency of a pathogenic BRCA2 variant (0.0007503), suggesting this is likely a benign polymorphism found primarily in the populations of African origin. This variant was reported in BrC patients without strong evidence for causality. In addition, several clinical diagnostic laboratories have classified this variant as likely benign/benign. It was also found to co-occur with a deleterious variant BRCA2 c. c.5351dup in one sample (UMD). Taken together, this variant is classified as Benign.

Color Diagnostics, LLC DBA Color Health
Classification: Likely benign for Hereditary cancer-predisposing syndrome. Last evaluated: 2015-09-30. Review status: criteria provided, single submitter. Criteria: ACMG Guidelines, 2015. Collection method: clinical testing. Allele origin: germline. Not counted in ClinVar's aggregate classification.

Eurofins Ntd Llc (ga)
Classification: Likely benign. Last evaluated: 2015-04-20. Review status: criteria provided, single submitter. Criteria: EGL Classification Definitions 2015. Collection method: clinical testing. Allele origin: germline. Observed: 1 variant allele, 1 heterozygote. Not counted in ClinVar's aggregate classification.

Molecular Genetics Laboratory, University of Michigan
Classification: Benign for Breast-ovarian cancer, familial, susceptibility to, 2. Last evaluated: 2014-11-03. Review status: criteria provided, single submitter. Criteria: ACMG Guidelines, 2015. Collection method: clinical testing. Allele origin: germline. Affected: yes. Not counted in ClinVar's aggregate classification.

Ambry Genetics
Classification: Likely benign for Hereditary cancer-predisposing syndrome. Last evaluated: 2014-06-10. Review status: criteria provided, single submitter. Criteria: Ambry Variant Classification Scheme 2023. Collection method: clinical testing. Allele origin: germline. Not counted in ClinVar's aggregate classification.

GeneDx
Classification: Benign. Last evaluated: 2014-03-14. Review status: criteria provided, single submitter. Criteria: GeneDx Variant Classification (06012015). Collection method: clinical testing. Allele origin: germline. Affected: yes. Not counted in ClinVar's aggregate classification.
Comment: This variant is considered likely benign or benign based on one or more of the following criteria: it is a conservative change, it occurs at a poorly conserved position in the protein, it is predicted to be benign by multiple in silico algorithms, and/or has population frequency not consistent with disease.

Department of Pathology and Laboratory Medicine, Sinai Health System
Classification: Benign for Malignant tumor of breast. Review status: no assertion criteria provided. Collection method: clinical testing. Allele origin: unknown. Affected: yes. Observed: 2 variant alleles. Study: The Canadian Open Genetics Repository (COGR). Not counted in ClinVar's aggregate classification.
Comment: The variant was also identified in dbSNP (ID: rs140556653 â€šÃ„ÃºWith benign alleleâ€šÃ„Ã¹, with a minor allele frequency of 0.0006(1000 Genomes Project);in NHLBI Exome Sequencing Project (Exome Variant Server)in 10 of 4406 African Americans and 0 of 8596 European chromosomes; In Exome Aggregation Consortium (ExAC) database it was identified in 18 of 10228 Africans and not found in European (Non-Finnish), East Asian, Latino, South Asian, European (Finnish) or Other individuals, increasing the likelihood that this may be a low frequency benign variant in certain populations of origin. The variant was also identified in ClinVar database (classified as benign by GeneDX and as likely benign by Ambry genetics) and UMD (1X as a 3 unvalidated variant). The variant was not identified in COSMIC, LOVD, GeneInsight through the Canadian Open Genetics Repository and the BIC database The p.Leu1357Leu variant is not expected to have clinical significance because it does not result in a change of amino acid and is not located in a known consensus splice site. The p.Leu1357Leu variant occurs outside of the splicing consensus sequence and 5 in silico or computational prediction software programs(SpliceSiteFinder, MaxEntScan, NNSPLICE, GeneSplicer, HumanSpliceFinder) do not predict a greater than 10% difference in splicing although this is not very predictive of pathogenicity. In summary, based on the above information, this variant meets our laboratory's criteria to be classified as benign.

Literature cited by the submitters: PubMed 22034289 (cited by Women's Health and Genetics/Laboratory Corporation of America, LabCorp); PubMed 15744044 (cited by Women's Health and Genetics/Laboratory Corporation of America, LabCorp).